The following is an entry in ClinVar:

ClinVar aggregate classification (germline): Conflicting classifications of pathogenicity. Review status: criteria provided, conflicting classifications (1 of 4 stars). 3 submissions from 3 submitters: Uncertain significance (1); Likely benign (2). Last evaluated 2025-12-26.

Conditions:
Inborn genetic diseases. Identifiers: MedGen C0950123, MeSH D030342.

Allele frequency attached by ClinVar (database versions not stated): TOPMed below 0.00001; gnomAD exomes 0.00001; ExAC 0.00003.
gnomAD v4.1: 23 of 1,613,552 alleles (0.0014%); highest among the groups gnomAD compares: Middle Eastern, 0.033%; no homozygotes.

Submissions (3):

Labcorp Genetics (formerly Invitae), Labcorp
Classification: Likely benign. Last evaluated: 2025-12-26. Review status: criteria provided, single submitter. Criteria: Invitae Variant Classification Sherloc (09022015). Collection method: clinical testing. Allele origin: germline.

Ambry Genetics
Classification: Likely benign for Inborn genetic diseases. Last evaluated: 2022-12-02. Review status: criteria provided, single submitter. Criteria: Ambry Variant Classification Scheme 2023. Collection method: clinical testing. Allele origin: germline.

Institute for Clinical Genetics, University Hospital TU Dresden, University Hospital TU Dresden
Classification: Uncertain significance. Last evaluated: 2022-08-26. Review status: criteria provided, single submitter. Criteria: ACMG Guidelines, 2015. Collection method: clinical testing. Allele origin: germline.
Comment: PP3, PM2_SUP

NM_001282531.3(ADNP):c.392C>T (p.Pro131Leu)

Gene: ADNP (activity dependent neuroprotector homeobox; minus strand). Cytogenetic location: 20q13.13.
Variant type: single nucleotide variant.
Coding change: c.392C>T on transcript NM_001282531.3 (MANE Select); coding-DNA position 392, C replaced by T.
Protein change: p.Pro131Leu; replaces proline 131 with leucine.
Molecular consequence: missense variant.
Genome position (GRCh38, 1-based): chr20:50,894,322, G>A on the plus strand (C>T on the coding strand, the complement: ADNP is on the minus strand). VCF-style: chr20-50894322-G-A. GRCh37 (hg19) VCF-style: chr20-49510859-G-A.
Other names: c.392C>T, p.Pro131Leu (NM_001282532.2, NM_001347511.2, NM_015339.5 and 1 more transcripts); short protein forms P131L.
Identifiers: ClinVar variation 1928054 (VCV001928054.7), dbSNP rs746641833, ClinGen allele CA9908894.
Genomic context (GRCh38, chr20:50,894,322, plus strand): 5'-CCATCATTTTTGTTTTTATCTTTGAAAGTGCTGAGGCTGCTACTTGGTGCGCTGGCGTTC[G>A]GAGCATGAAATATTTTAATGTGTGTTTCCAAAGTCTTTTTGTCTGCATTGAAGGTACAGT-3'
Protein context (NP_001269460.1, residues 121-141): LETHIKIFHA[Pro131Leu]NASAPSSSLS